The following is an entry in ClinVar:

ClinVar aggregate classification (germline): Uncertain significance. Review status: criteria provided, single submitter (1 of 4 stars). 2 submissions from 2 submitters: Uncertain significance (1). 1 of the submissions does not count toward it. Last evaluated 2020-11-06.

Conditions:
RELN-related disorder. Also called: RELN-related condition.
Familial temporal lobe epilepsy 7. Identifiers: Orphanet 101046, MedGen C4225327, MONDO:0014639, OMIM 616436.
Norman-Roberts syndrome (LIS2). Also called: Lissencephaly 2 (Norman-Roberts type). Identifiers: Orphanet 89844, MedGen C0796089, MONDO:0009760, OMIM 257320.

Allele frequency attached by ClinVar (database versions not stated): ExAC 0.00001; gnomAD 0.00001; gnomAD exomes 0.00001 and 0.00002; TOPMed 0.00003; ESP Exome Variant Server 0.00008.
gnomAD v4.1: 38 of 1,614,126 alleles (0.0024%); highest among the groups gnomAD compares: Non-Finnish European, 0.0031%; no homozygotes.

Submissions (2):

Labcorp Genetics (formerly Invitae), Labcorp
Classification: Uncertain significance for Familial temporal lobe epilepsy 7; Norman-Roberts syndrome. Last evaluated: 2020-11-06. Review status: criteria provided, single submitter. Criteria: Invitae Variant Classification Sherloc (09022015). Collection method: clinical testing. Allele origin: germline.
Comment: This variant has not been reported in the literature in individuals with RELN-related disease. This variant is present in population databases (rs143688278, ExAC 0.001%). This sequence change replaces aspartic acid with valine at codon 2352 of the RELN protein (p.Asp2352Val). The aspartic acid residue is moderately conserved and there is a large physicochemical difference between aspartic acid and valine. Algorithms developed to predict the effect of missense changes on protein structure and function do not agree on the potential impact of this missense change (SIFT: "Deleterious"; PolyPhen-2: "Probably Damaging"; Align-GVGD: "Class C0"). In summary, the available evidence is currently insufficient to determine the role of this variant in disease. Therefore, it has been classified as a Variant of Uncertain Significance.

PreventionGenetics, part of Exact Sciences
Classification: Uncertain significance for RELN-related condition. Last evaluated: 2024-05-21. Review status: no assertion criteria provided. Collection method: clinical testing. Allele origin: germline. Not counted in ClinVar's aggregate classification.
Comment: The RELN c.7055A>T variant is predicted to result in the amino acid substitution p.Asp2352Val. To our knowledge, this variant has not been reported in the literature. This variant is reported in 0.0023% of alleles in individuals of European (Non-Finnish) descent in gnomAD. At this time, the clinical significance of this variant is uncertain due to the absence of conclusive functional and genetic evidence.

NM_005045.4(RELN):c.7055A>T (p.Asp2352Val)

Gene: RELN (reelin; minus strand). Cytogenetic location: 7q22.1.
Variant type: single nucleotide variant.
Coding change: c.7055A>T on transcript NM_005045.4 (MANE Select); coding-DNA position 7055, A replaced by T.
Protein change: p.Asp2352Val; replaces aspartic acid 2352 with valine.
Molecular consequence: missense variant.
Genome position (GRCh38, 1-based): chr7:103,539,203, T>A on the plus strand (A>T on the coding strand, the complement: RELN is on the minus strand). VCF-style: chr7-103539203-T-A. GRCh37 (hg19) VCF-style: chr7-103179650-T-A.
Other names: c.7055A>T, p.Asp2352Val (NM_173054.3); short protein forms D2352V.
Identifiers: ClinVar variation 542569 (VCV000542569.9), dbSNP rs143688278, ClinGen allele CA4420816.